The following is an entry in ClinVar:

ClinVar aggregate classification (germline): Uncertain significance (1 of 4 stars; one submission).

gnomAD v4.1: 4 of 1,613,848 alleles (0.00025%); highest among the groups gnomAD compares: Non-Finnish European, 0.00034%; no homozygotes.

Submission:

Labcorp Genetics (formerly Invitae), Labcorp
Classification: Uncertain significance. Last evaluated: 2024-11-18. Review status: criteria provided, single submitter. Criteria: Invitae Variant Classification Sherloc (09022015). Collection method: clinical testing. Allele origin: germline.
Comment: This sequence change replaces arginine, which is basic and polar, with threonine, which is neutral and polar, at codon 278 of the HNRNPK protein (p.Arg278Thr). This variant is not present in population databases (gnomAD no frequency). This variant has not been reported in the literature in individuals affected with HNRNPK-related conditions. Invitae Evidence Modeling of protein sequence and biophysical properties (such as structural, functional, and spatial information, amino acid conservation, physicochemical variation, residue mobility, and thermodynamic stability) indicates that this missense variant is not expected to disrupt HNRNPK protein function with a negative predictive value of 80%. In summary, the available evidence is currently insufficient to determine the role of this variant in disease. Therefore, it has been classified as a Variant of Uncertain Significance.

NM_031263.4(HNRNPK):c.833G>C (p.Arg278Thr)

Gene: HNRNPK (heterogeneous nuclear ribonucleoprotein K; minus strand). Cytogenetic location: 9q21.32.
Variant type: single nucleotide variant.
Coding change: c.833G>C on transcript NM_031263.4 (MANE Select); coding-DNA position 833, G replaced by C.
Protein change: p.Arg278Thr; replaces arginine 278 with threonine.
Molecular consequence: missense variant.
Genome position (GRCh38, 1-based): chr9:83,972,002, C>G on the plus strand (G>C on the coding strand, the complement: HNRNPK is on the minus strand). VCF-style: chr9-83972002-C-G. GRCh37 (hg19) VCF-style: chr9-86586917-C-G.
Other names: c.761G>C, p.Arg254Thr (NM_001318186.2, NM_001318187.2); c.833G>C, p.Arg278Thr (NM_001318188.2, NM_002140.5, NM_031262.4); short protein forms R254T, R278T.
Identifiers: ClinVar variation 3683972 (VCV003683972.2).